The following is an entry in ClinVar:

NM_180989.6(GPR180):c.-1C>G

Genes: GPR180 (G protein-coupled receptor 180; plus strand), LOC121468002 (Sharpr-MPRA regulatory region 4462; plus strand). Cytogenetic location: 13q32.1.
Variant type: single nucleotide variant.
Coding change: c.-1C>G on transcript NM_180989.6 (MANE Select); 1 bases upstream of the start codon, C replaced by G.
Molecular consequence: 5 prime UTR variant.
Genome position (GRCh38, 1-based): chr13:94,601,927, C>G. VCF-style: chr13-94601927-C-G. GRCh37 (hg19) VCF-style: chr13-95254181-C-G.
Identifiers: ClinVar variation 4987816 (VCV004987816.1).
Genomic context (GRCh38, chr13:94,601,927, plus strand): 5'-GTGGGGCGGGCAGCCGCCGGCGGCTGGGAGCCGAGGCGTCGGTGCAGACCTGGAGACGGG[C>G]ATGGGGGGGCTGCGGCTGCTGGCTGTGGCCCTCACGTGCTGCTGGTGGCCGCAGGGCAGC-3'

ClinVar aggregate classification (germline): Likely benign (1 of 4 stars; one submission).

Conditions:
GPR180-related disorder. Also called: GPR180-related condition.

Submission:

PreventionGenetics, part of Exact Sciences
Classification: Likely benign for GPR180-related condition. Last evaluated: 2025-12-17. Review status: criteria provided, single submitter. Criteria: ACMG Guidelines, 2015. Collection method: clinical testing. Allele origin: germline.
Comment: This variant is classified as likely benign based on ACMG/AMP sequence variant interpretation guidelines (Richards et al. 2015 PMID: 25741868, with internal and published modifications).